The following is an entry in ClinVar:

NM_000543.5(SMPD1):c.103C>G (p.Leu35Val)

Gene: SMPD1 (sphingomyelin phosphodiesterase 1; plus strand). Cytogenetic location: 11p15.4.
Variant type: single nucleotide variant.
Coding change: c.103C>G on transcript NM_000543.5 (MANE Select); coding-DNA position 103, C replaced by G.
Protein change: p.Leu35Val; replaces leucine 35 with valine.
Molecular consequence: missense variant. On other transcripts: 5 prime UTR variant (1), non-coding transcript variant (2).
Genome position (GRCh38, 1-based): chr11:6,390,701, C>G. VCF-style: chr11-6390701-C-G. GRCh37 (hg19) VCF-style: chr11-6411931-C-G.
Other names: c.103C>G, p.Leu35Val (NM_001007593.3, NM_001318087.2, NM_001365135.2); c.-859C>G (NM_001318088.2); short protein forms L35V.
Identifiers: ClinVar variation 193115 (VCV000193115.23), dbSNP rs201367689, ClinGen allele CA238623.
Genomic context (GRCh38, chr11:6,390,701, plus strand): 5'-TCCGGCCGGGAGCAGGGACAAGACGGGACCGCCGGAGCCCCCGGACTCCTTTGGATGGGC[C>G]TGGTGCTGGCGCTGGCGCTGGCGCTGGCGCTGGCGCTGGCTCTGTCTGACTCTCGGGTTC-3'
Protein context (NP_000534.3, residues 25-45): AGAPGLLWMG[Leu35Val]VLALALALAL

ClinVar aggregate classification (germline): Conflicting classifications of pathogenicity. Review status: criteria provided, conflicting classifications (1 of 4 stars). 6 submissions from 6 submitters: Uncertain significance (3); Likely benign (2). 1 of the submissions does not count toward it. Last evaluated 2026-01-19.

Conditions:
SMPD1-related disorder. Also called: SMPD1-related condition.
Inborn genetic diseases. Identifiers: MedGen C0950123, MeSH D030342.
Niemann-Pick disease, type A. Also called: Infantile Neurovisceral ASMD (Niemann-Pick Disease Type A; NPD-A); SPHINGOMYELIN LIPIDOSIS; SPHINGOMYELINASE DEFICIENCY. Identifiers: Orphanet 77292, MedGen C0268242, MONDO:0009756, OMIM 257200. Disease mechanism: loss of function.
Niemann-Pick disease, type B. Also called: Chronic Visceral ASMD (Niemann-Pick Disease Type B; NPD-B). Identifiers: Orphanet 77293, MedGen C0268243, MONDO:0011871, OMIM 607616. Disease mechanism: loss of function.

Allele frequency attached by ClinVar (database versions not stated): ExAC 0.00010; gnomAD 0.00013 and 0.00015; TOPMed 0.00015; ESP Exome Variant Server 0.00023.
gnomAD v4.1: 270 of 1,254,566 alleles (0.022%); highest among the groups gnomAD compares: Non-Finnish European, 0.026%; no homozygotes.

Submissions (6):

Labcorp Genetics (formerly Invitae), Labcorp
Classification: Likely benign for Niemann-Pick disease, type B; Niemann-Pick disease, type A. Last evaluated: 2026-01-19. Review status: criteria provided, single submitter. Criteria: Invitae Variant Classification Sherloc (09022015). Collection method: clinical testing. Allele origin: germline.

CeGaT Center for Human Genetics Tuebingen
Classification: Likely benign. Last evaluated: 2026-01-01. Review status: criteria provided, single submitter. Criteria: CeGaT Center For Human Genetics Tuebingen Variant Classification Criteria Version 2. Collection method: clinical testing. Allele origin: germline. Affected: yes. Observed: 1 variant allele.
Comment: SMPD1: BP4

Ambry Genetics
Classification: Uncertain significance for Inborn genetic diseases. Last evaluated: 2023-03-21. Review status: criteria provided, single submitter. Criteria: Ambry Variant Classification Scheme 2023. Collection method: clinical testing. Allele origin: germline.

Revvity Omics, Revvity
Classification: Uncertain significance. Last evaluated: 2019-04-03. Review status: criteria provided, single submitter. Criteria: ACMG Guidelines, 2015. Collection method: clinical testing. Allele origin: germline.

Eurofins Ntd Llc (ga)
Classification: Uncertain significance. Last evaluated: 2017-10-19. Review status: criteria provided, single submitter. Criteria: EGL Classification Definitions 2015. Collection method: clinical testing. Allele origin: germline. Observed: 5 variant alleles, 5 heterozygotes.

PreventionGenetics, part of Exact Sciences
Classification: Uncertain significance for SMPD1-related condition. Last evaluated: 2024-04-11. Review status: no assertion criteria provided. Collection method: clinical testing. Allele origin: germline. Not counted in ClinVar's aggregate classification.
Comment: The SMPD1 c.103C>G variant is predicted to result in the amino acid substitution p.Leu35Val. To our knowledge, this variant has not been reported in the literature. This variant is reported in 0.021% of alleles in individuals of Latino descent in gnomAD. At this time, the clinical significance of this variant is uncertain due to the absence of conclusive functional and genetic evidence.